The following is an entry in ClinVar:

ClinVar aggregate classification (germline): Conflicting classifications of pathogenicity. Review status: criteria provided, conflicting classifications (1 of 4 stars). 2 submissions from 2 submitters: Uncertain significance (1); Likely benign (1). Last evaluated 2020-05-05.

Allele frequency attached by ClinVar (database versions not stated): gnomAD exomes below 0.00001.
gnomAD v4.1: 5 of 1,613,130 alleles (0.00031%); highest among the groups gnomAD compares: Middle Eastern, 0.017%; no homozygotes.

Submissions (2):

Labcorp Genetics (formerly Invitae), Labcorp
Classification: Uncertain significance. Last evaluated: 2020-05-05. Review status: criteria provided, single submitter. Criteria: Invitae Variant Classification Sherloc (09022015). Collection method: clinical testing. Allele origin: germline.
Comment: In summary, the available evidence is currently insufficient to determine the role of this variant in disease. Therefore, it has been classified as a Variant of Uncertain Significance. Nucleotide substitutions within the consensus splice site are a relatively common cause of aberrant splicing (PMID: 17576681, 9536098). Algorithms developed to predict the effect of sequence changes on RNA splicing suggest that this variant is not likely to affect RNA splicing, but this prediction has not been confirmed by published transcriptional studies. This variant has not been reported in the literature in individuals with HNF1A-related conditions. This variant is not present in population databases (ExAC no frequency). This sequence change falls in intron 9 of the HNF1A gene. It does not directly change the encoded amino acid sequence of the HNF1A protein, but it affects a nucleotide within the consensus splice site of the intron.

GeneDx
Classification: Likely benign. Last evaluated: 2018-11-30. Review status: criteria provided, single submitter. Criteria: GeneDx Variant Classification Process June 2021. Collection method: clinical testing. Allele origin: germline. Affected: yes.
Comment: See Variant Classification Assertion Criteria.

Literature cited by the submitters: PubMed 17576681 (cited by Labcorp Genetics (formerly Invitae), Labcorp); PubMed 9536098 (cited by Labcorp Genetics (formerly Invitae), Labcorp).

NM_000545.8(HNF1A):c.1769-3C>T

Genes: C12orf43 (chromosome 12 open reading frame 43; minus strand), HNF1A (HNF1 homeobox A; plus strand). Cytogenetic location: 12q24.31.
Variant type: single nucleotide variant.
Coding change: c.1769-3C>T on transcript NM_000545.8 (MANE Select); 3 bases into the intron before coding-DNA position 1769, C replaced by T.
Molecular consequence: intron variant. On other transcripts: 3 prime UTR variant (3).
Genome position (GRCh38, 1-based): chr12:121,001,062, C>T. VCF-style: chr12-121001062-C-T. GRCh37 (hg19) VCF-style: chr12-121438865-C-T.
Other names: c.*3091G>A (NM_001286191.2, NM_001286196.2, NM_022895.3); c.1790-3C>T (NM_001306179.2); c.1577-3C>T (NM_001406915.1).
Identifiers: ClinVar variation 1051750 (VCV001051750.8), dbSNP rs1877438684, ClinGen allele CA482151591.